The following is an entry in ClinVar:

NM_015910.7(WDPCP):c.53C>T (p.Ala18Val)

Gene: WDPCP (WD repeat containing planar cell polarity effector; minus strand). Cytogenetic location: 2p15.
Variant type: single nucleotide variant.
Coding change: c.53C>T on transcript NM_015910.7 (MANE Select); coding-DNA position 53, C replaced by T.
Protein change: p.Ala18Val; replaces alanine 18 with valine.
Molecular consequence: missense variant. On other transcripts: 5 prime UTR variant (1), non-coding transcript variant (2).
Genome position (GRCh38, 1-based): chr2:63,588,219, G>A on the plus strand (C>T on the coding strand, the complement: WDPCP is on the minus strand). VCF-style: chr2-63588219-G-A. GRCh37 (hg19) VCF-style: chr2-63815353-G-A.
Other names: c.-272C>T (NM_001354044.2); c.53C>T, p.Ala18Val (NM_001354045.2); short protein forms A18V.
Identifiers: ClinVar variation 2174126 (VCV002174126.3), dbSNP rs370821757, ClinGen allele CA1682655.

ClinVar aggregate classification (germline): Uncertain significance (1 of 4 stars; one submission).

Conditions:
Bardet-Biedl syndrome (BBS). Identifiers: Orphanet 110, MedGen C0752166, MONDO:0015229.

Allele frequency attached by ClinVar (database versions not stated): gnomAD exomes below 0.00001; TOPMed 0.00002; gnomAD 0.00003; ExAC 0.00004.
gnomAD v4.1: 7 of 1,573,954 alleles (0.00044%); highest among the groups gnomAD compares: African/African-American, 0.0095%; no homozygotes.

Submission:

Labcorp Genetics (formerly Invitae), Labcorp
Classification: Uncertain significance for Bardet-Biedl syndrome. Last evaluated: 2022-03-30. Review status: criteria provided, single submitter. Criteria: Invitae Variant Classification Sherloc (09022015). Collection method: clinical testing. Allele origin: germline.
Comment: In summary, the available evidence is currently insufficient to determine the role of this variant in disease. Therefore, it has been classified as a Variant of Uncertain Significance. Algorithms developed to predict the effect of missense changes on protein structure and function (SIFT, PolyPhen-2, Align-GVGD) all suggest that this variant is likely to be tolerated. This variant has not been reported in the literature in individuals affected with WDPCP-related conditions. This variant is present in population databases (rs370821757, gnomAD 0.005%). This sequence change replaces alanine, which is neutral and non-polar, with valine, which is neutral and non-polar, at codon 18 of the WDPCP protein (p.Ala18Val).